The following is an entry in ClinVar:

ClinVar aggregate classification (germline): Benign. Review status: criteria provided, multiple submitters, no conflicts (2 of 4 stars). 7 submissions from 7 submitters: Benign (7). Last evaluated 2026-01-26.

Conditions:
Holoprosencephaly sequence (HPE). Also called: Holoprosencephaly. Identifiers: Orphanet 2162, MedGen C0079541, MONDO:0016296, HP:0001360.

Allele frequency attached by ClinVar (database versions not stated): gnomAD exomes 0.00300; ExAC 0.00393; 1000 Genomes Project 0.01178; 1000 Genomes Project 30x 0.01234; gnomAD 0.01277 and 0.01374; ESP Exome Variant Server 0.01371; TOPMed 0.01469.

Submissions (7):

Labcorp Genetics (formerly Invitae), Labcorp
Classification: Benign for Holoprosencephaly sequence. Last evaluated: 2026-01-26. Review status: criteria provided, single submitter. Criteria: Invitae Variant Classification Sherloc (09022015). Collection method: clinical testing. Allele origin: germline.

Women's Health and Genetics/Laboratory Corporation of America, LabCorp
Classification: Benign. Last evaluated: 2024-07-28. Review status: criteria provided, single submitter. Criteria: LabCorp Variant Classification Summary - May 2015. Collection method: clinical testing. Allele origin: germline.

Illumina Laboratory Services, Illumina
Classification: Benign for Holoprosencephaly sequence. Last evaluated: 2018-01-13. Review status: criteria provided, single submitter. Criteria: ICSL Variant Classification Criteria 13 December 2019. Collection method: clinical testing. Allele origin: germline.
Comment: This variant was observed in the ICSL laboratory as part of a predisposition screen in an ostensibly healthy population. It had not been previously curated by ICSL or reported in the Human Gene Mutation Database (HGMD: prior to June 1st, 2018), and was therefore a candidate for classification through an automated scoring system. Utilizing variant allele frequency, disease prevalence and penetrance estimates, and inheritance mode, an automated score was calculated to assess if this variant is too frequent to cause the disease. Based on the score and internal cut-off values, a variant classified as benign is not then subjected to further curation. The score for this variant resulted in a classification of benign for this disease.

Eurofins Ntd Llc (ga)
Classification: Benign. Last evaluated: 2015-05-01. Review status: criteria provided, single submitter. Criteria: EGL Classification Definitions 2015. Collection method: clinical testing. Allele origin: germline. Observed: 1 variant allele, 1 heterozygote.

GeneDx
Classification: Benign. Last evaluated: 2013-10-15. Review status: criteria provided, single submitter. Criteria: GeneDx Variant Classification (06012015). Collection method: clinical testing. Allele origin: germline. Affected: yes.
Comment: This variant is considered likely benign or benign based on one or more of the following criteria: it is a conservative change, it occurs at a poorly conserved position in the protein, it is predicted to be benign by multiple in silico algorithms, and/or has population frequency not consistent with disease.

Breakthrough Genomics
Classification: Benign. Review status: criteria provided, single submitter. Criteria: ACMG Guidelines, 2015. Collection method: not provided. Allele origin: germline. Inheritance: Unknown mechanism. Affected: yes.

PreventionGenetics, part of Exact Sciences
Classification: Benign. Review status: criteria provided, single submitter. Criteria: ACMG Guidelines, 2015. Collection method: clinical testing. Allele origin: germline.

NM_003923.3(FOXH1):c.450C>T (p.His150=)

Gene: FOXH1 (forkhead box H1; minus strand). Cytogenetic location: 8q24.3.
Variant type: single nucleotide variant.
Coding change: c.450C>T on transcript NM_003923.3 (MANE Select); coding-DNA position 450, C replaced by T.
Protein change: p.His150=; no amino-acid change (histidine 150 retained).
Molecular consequence: synonymous variant.
Genome position (GRCh38, 1-based): chr8:144,474,886, G>A on the plus strand (C>T on the coding strand, the complement: FOXH1 is on the minus strand). VCF-style: chr8-144474886-G-A. GRCh37 (hg19) VCF-style: chr8-145700269-G-A.
Other names: p.H150H:CAC>CAT.
Identifiers: ClinVar variation 137395 (VCV000137395.21), dbSNP rs2721177, ClinGen allele CA202335.
Genomic context (GRCh38, chr8:144,474,886, plus strand): 5'-CTTGATGCTGAAGCCCTCACTGGGTGGTGGCGGGGGACTGGGCGGCCGGTATGGCCGGCC[G>A]TGCAGCACGTAGGGGCCCAGGTCCTTGGCGAAGGCTCCACGCGCACCTCCGTTCTGCCAG-3'
Protein context (NP_003914.1, residues 140-160): FAKDLGPYVL[His150=]GRPYRPPSPP